The following is an entry in ClinVar:

NM_000466.3(PEX1):c.2331C>A (p.Gly777=)

Gene: PEX1 (peroxisomal biogenesis factor 1; minus strand). Cytogenetic location: 7q21.2.
Variant type: single nucleotide variant.
Coding change: c.2331C>A on transcript NM_000466.3 (MANE Select); coding-DNA position 2331, C replaced by A.
Protein change: p.Gly777=; no amino-acid change (glycine 777 retained).
Molecular consequence: synonymous variant.
Genome position (GRCh38, 1-based): chr7:92,501,975, G>T on the plus strand (C>A on the coding strand, the complement: PEX1 is on the minus strand). VCF-style: chr7-92501975-G-T. GRCh37 (hg19) VCF-style: chr7-92131289-G-T.
Other names: c.2160C>A, p.Gly720= (NM_001282677.2); c.1707C>A, p.Gly569= (NM_001282678.2).
Identifiers: ClinVar variation 93105 (VCV000093105.40), dbSNP rs10278857, ClinGen allele CA146656.

ClinVar aggregate classification (germline): Benign. Review status: criteria provided, multiple submitters, no conflicts (2 of 4 stars). 18 submissions from 16 submitters: Benign (11). 7 of the submissions do not count toward it. Last evaluated 2026-02-04.

Conditions:
Peroxisome biogenesis disorder 1B (PBD1B). Also called: Refsum disease, infantile form; Infantile Refsum disease; Infantile form of phytanic acid storage disease; PEROXISOME BIOGENESIS DISORDER (NEONATAL ADRENOLEUKODYSTROPHY/INFANTILE REFSUM DISEASE); INFANTILE PHYTANIC ACID STORAGE DISEASE; PEROXISOME BIOGENESIS DISORDER (NALD/IRD). Identifiers: Orphanet 44, MedGen C0282527, MONDO:0011101, OMIM 601539.
Peroxisome biogenesis disorder 1A (Zellweger) (PBD1A). Also called: Peroxisome biogenesis disorder 1a; Zellweger leukodystrophy. Identifiers: MedGen C4721541, MONDO:0008953, OMIM 214100.
Zellweger spectrum disorders (ZS). Also called: Zellweger syndrome; Zellweger Spectrum Disorder; Zellweger Spectrum; Zellweger Spectrum Disorder (ZSD). Identifiers: Orphanet 912, MedGen C0043459, MONDO:0019609.
Heimler syndrome 1 (HMLR1). Also called: PEROXISOME BIOGENESIS DISORDER 1C. Identifiers: Orphanet 3220, MedGen C4551980, OMIM 234580, MONDO:0024544.

Allele frequency attached by ClinVar (database versions not stated): gnomAD exomes 0.91769 and 0.92146; ExAC 0.92182; gnomAD 0.93013 and 0.93046; ESP Exome Variant Server 0.93172; TOPMed 0.93836; 1000 Genomes Project 0.94988; 1000 Genomes Project 30x 0.95112.
gnomAD v4.1: 1,482,832 of 1,613,548 alleles (92%); highest among the groups gnomAD compares: African/African-American, 98%; 681,914 homozygotes.

Submissions (18):

Labcorp Genetics (formerly Invitae), Labcorp
Classification: Benign for Zellweger spectrum disorders. Last evaluated: 2026-02-04. Review status: criteria provided, single submitter. Criteria: Invitae Variant Classification Sherloc (09022015). Collection method: clinical testing. Allele origin: germline.

Blueprint Genetics
Classification: Benign. Last evaluated: 2024-11-27. Review status: criteria provided, single submitter. Criteria: ACMG Guidelines, 2015. Collection method: clinical testing. Allele origin: germline.

Genome-Nilou Lab
Classification: Benign for Heimler syndrome 1. Last evaluated: 2021-09-05. Review status: criteria provided, single submitter. Criteria: ACMG Guidelines, 2015. Collection method: clinical testing. Allele origin: germline. Affected: no.

Genome-Nilou Lab
Classification: Benign for Peroxisome biogenesis disorder 1B. Last evaluated: 2021-09-05. Review status: criteria provided, single submitter. Criteria: ACMG Guidelines, 2015. Collection method: clinical testing. Allele origin: germline. Affected: no.

Genome-Nilou Lab
Classification: Benign for Peroxisome biogenesis disorder 1A (Zellweger). Last evaluated: 2021-07-01. Review status: criteria provided, single submitter. Criteria: ACMG Guidelines, 2015. Collection method: clinical testing. Allele origin: germline. Affected: no.

GeneDx
Classification: Benign. Last evaluated: 2018-06-13. Review status: criteria provided, single submitter. Criteria: GeneDx Variant Classification (06012015). Collection method: clinical testing. Allele origin: germline. Affected: yes.
Comment: This variant is considered likely benign or benign based on one or more of the following criteria: it is a conservative change, it occurs at a poorly conserved position in the protein, it is predicted to be benign by multiple in silico algorithms, and/or has population frequency not consistent with disease.

Illumina Laboratory Services, Illumina
Classification: Benign for Peroxisome biogenesis disorder 1A (Zellweger). Last evaluated: 2018-01-13. Review status: criteria provided, single submitter. Criteria: ICSL Variant Classification Criteria 13 December 2019. Collection method: clinical testing. Allele origin: germline.
Comment: This variant was observed in the ICSL laboratory as part of a predisposition screen in an ostensibly healthy population. It had not been previously curated by ICSL or reported in the Human Gene Mutation Database (HGMD: prior to June 1st, 2018), and was therefore a candidate for classification through an automated scoring system. Utilizing variant allele frequency, disease prevalence and penetrance estimates, and inheritance mode, an automated score was calculated to assess if this variant is too frequent to cause the disease. Based on the score and internal cut-off values, a variant classified as benign is not then subjected to further curation. The score for this variant resulted in a classification of benign for this disease.

Laboratory for Molecular Medicine, Mass General Brigham Personalized Medicine
Classification: Benign. Last evaluated: 2016-03-28. Review status: criteria provided, single submitter. Criteria: LMM Criteria. Collection method: clinical testing. Allele origin: germline.
Comment: Variant identified in a genome or exome case(s) and assessed due to predicted null impact of the variant or pathogenic assertions in the literature or databases. Disclaimer: This variant has not undergone full assessment. The following are preliminary notes: 92% of total chromosomes in ExAC

Eurofins Ntd Llc (ga)
Classification: Benign. Last evaluated: 2013-07-29. Review status: criteria provided, single submitter. Criteria: EGL Classification Definitions 2015. Collection method: clinical testing. Allele origin: germline. Observed: 19 variant alleles, 4 heterozygotes, 15 homozygotes.

Breakthrough Genomics
Classification: Benign. Review status: criteria provided, single submitter. Criteria: ACMG Guidelines, 2015. Collection method: not provided. Allele origin: germline. Inheritance: Autosomal recessive inheritance. Affected: yes.

PreventionGenetics, part of Exact Sciences
Classification: Benign. Review status: criteria provided, single submitter. Criteria: ACMG Guidelines, 2015. Collection method: clinical testing. Allele origin: germline.

Natera, Inc.
Classification: Benign for Zellweger syndrome. Last evaluated: 2017-03-29. Review status: no assertion criteria provided. Collection method: clinical testing. Allele origin: germline. Not counted in ClinVar's aggregate classification.

Mayo Clinic Laboratories, Mayo Clinic
Classification: Benign. Last evaluated: 2015-10-21. Review status: no assertion criteria provided. Collection method: clinical testing. Allele origin: unknown. Not counted in ClinVar's aggregate classification.

Clinical Genetics DNA and cytogenetics Diagnostics Lab, Erasmus MC, Erasmus Medical Center
Classification: Benign. Review status: no assertion criteria provided. Collection method: clinical testing. Allele origin: germline. Affected: yes. Study: VKGL Data-share Consensus. Not counted in ClinVar's aggregate classification.

Clinical Genetics, Academic Medical Center
Classification: Benign. Review status: no assertion criteria provided. Collection method: clinical testing. Allele origin: germline. Affected: yes. Study: VKGL Data-share Consensus. Not counted in ClinVar's aggregate classification.

Diagnostic Laboratory, Department of Genetics, University Medical Center Groningen
Classification: Benign. Review status: no assertion criteria provided. Collection method: clinical testing. Allele origin: germline. Affected: yes. Study: VKGL Data-share Consensus. Not counted in ClinVar's aggregate classification.

Genetic Services Laboratory, University of Chicago
Classification: Likely benign for AllHighlyPenetrant. Review status: no assertion criteria provided. Collection method: clinical testing. Allele origin: germline. Inheritance: Autosomal recessive inheritance. Not counted in ClinVar's aggregate classification.
Comment: Likely benign based on allele frequency in 1000 Genomes Project or ESP global frequency and its presence in a patient with a rare or unrelated disease phenotype. NOT Sanger confirmed.

Genome Diagnostics Laboratory, University Medical Center Utrecht
Classification: Benign. Review status: no assertion criteria provided. Collection method: clinical testing. Allele origin: germline. Affected: yes. Study: VKGL Data-share Consensus. Not counted in ClinVar's aggregate classification.